The following is an entry in ClinVar:

ClinVar aggregate classification (germline): Uncertain significance (1 of 4 stars; one submission).

Conditions:
MELAS syndrome (MELAS). Also called: Juvenile myopathy, encephalopathy, lactic acidosis, stroke. Identifiers: Orphanet 550, MedGen C0162671, MONDO:0010789, OMIM 540000.

Submission:

Wong Mito Lab, Molecular and Human Genetics, Baylor College of Medicine
Classification: Uncertain significance for MELAS syndrome. Last evaluated: 2019-07-12. Review status: criteria provided, single submitter. Criteria: Modified ACMG Guidelines (Unpublished). Collection method: clinical testing. Allele origin: germline.
Comment: The NC_012920.1:m.10055A>G variant in MT-TG gene is interpreted to be a Unknown Significance variant based on the modified ACMG guidelines (unpublished). This variant meets the following evidence codes reported in the guidelines: BP4

Literature cited by the submitters: PubMed 31965079.

NC_012920.1(MT-TG):m.10055A>G

Gene: MT-TG (mitochondrially encoded tRNA glycine; plus strand).
Variant type: single nucleotide variant.
Genome position: chrM-10055-A-G.
Identifiers: ClinVar variation 690110 (VCV000690110.1), dbSNP rs1603222653, ClinGen allele CA913161741.